The following is an entry in ClinVar:

ClinVar aggregate classification (germline): Uncertain significance (1 of 4 stars; one submission).

Submission:

GeneDx
Classification: Uncertain significance. Last evaluated: 2025-04-07. Review status: criteria provided, single submitter. Criteria: GeneDx Variant Classification Process June 2021. Collection method: clinical testing. Allele origin: germline. Affected: yes.
Comment: Not observed at significant frequency in large population cohorts (gnomAD); In silico analysis supports that this missense variant has a deleterious effect on protein structure/function; Has not been previously published as pathogenic or benign to our knowledge.

NM_005902.4(SMAD3):c.794A>G (p.Asn265Ser)

Gene: SMAD3 (SMAD family member 3; plus strand). Cytogenetic location: 15q22.33.
Variant type: single nucleotide variant.
Coding change: c.794A>G on transcript NM_005902.4 (MANE Select); coding-DNA position 794, A replaced by G.
Protein change: p.Asn265Ser; replaces asparagine 265 with serine.
Molecular consequence: missense variant.
Genome position (GRCh38, 1-based): chr15:67,181,376, A>G. VCF-style: chr15-67181376-A-G. GRCh37 (hg19) VCF-style: chr15-67473714-A-G.
Other names: c.479A>G, p.Asn160Ser (NM_001145102.2, NM_001407016.1); c.662A>G, p.Asn221Ser (NM_001145103.2, NM_001407012.1); c.209A>G, p.Asn70Ser (NM_001145104.2, NM_001407017.1); c.794A>G, p.Asn265Ser (NM_001407011.1, NM_001407013.1); c.647A>G, p.Asn216Ser (NM_001407014.1); c.347A>G, p.Asn116Ser (NM_001407015.1); short protein forms N116S, N160S, N216S, N221S, N265S, N70S.
Identifiers: ClinVar variation 4282406 (VCV004282406.1).